The following is an entry in ClinVar:

ClinVar aggregate classification (germline): Uncertain significance. Review status: criteria provided, multiple submitters, no conflicts (2 of 4 stars). 2 submissions from 2 submitters: Uncertain significance (2). Last evaluated 2025-12-11.

Conditions:
Immunodeficiency 23 (IMD23). Also called: IMMUNODEFICIENCY WITH HYPER IgE AND COGNITIVE IMPAIRMENT; IMMUNODEFICIENCY-VASCULITIS-MYOCLONUS SYNDROME. Identifiers: Orphanet 443811, MedGen C4014371, MONDO:0014353, OMIM 615816.
Inborn genetic diseases. Identifiers: MedGen C0950123, MeSH D030342.

Allele frequency attached by ClinVar (database versions not stated): gnomAD 0.00001 and 0.00002; ExAC 0.00002; gnomAD exomes 0.00001 and 0.00002; TOPMed 0.00003.

Submissions (2):

Ambry Genetics
Classification: Uncertain significance for Inborn genetic diseases. Last evaluated: 2025-12-11. Review status: criteria provided, single submitter. Criteria: Ambry Variant Classification Scheme 2023. Collection method: clinical testing. Allele origin: germline.

Labcorp Genetics (formerly Invitae), Labcorp
Classification: Uncertain significance for Immunodeficiency 23. Last evaluated: 2022-08-22. Review status: criteria provided, single submitter. Criteria: Invitae Variant Classification Sherloc (09022015). Collection method: clinical testing. Allele origin: germline.
Comment: This sequence change replaces asparagine, which is neutral and polar, with serine, which is neutral and polar, at codon 99 of the PGM3 protein (p.Asn99Ser). This variant is present in population databases (rs755618669, gnomAD 0.01%). This variant has not been reported in the literature in individuals affected with PGM3-related conditions. ClinVar contains an entry for this variant (Variation ID: 1414436). Algorithms developed to predict the effect of missense changes on protein structure and function (SIFT, PolyPhen-2, Align-GVGD) all suggest that this variant is likely to be disruptive. In summary, the available evidence is currently insufficient to determine the role of this variant in disease. Therefore, it has been classified as a Variant of Uncertain Significance.

NM_015599.3(PGM3):c.212A>G (p.Asn71Ser)

Gene: PGM3 (phosphoglucomutase 3; minus strand). Cytogenetic location: 6q14.1.
Variant type: single nucleotide variant.
Coding change: c.212A>G on transcript NM_015599.3 (MANE Select); coding-DNA position 212, A replaced by G.
Protein change: p.Asn71Ser; replaces asparagine 71 with serine.
Molecular consequence: missense variant. On other transcripts: 5 prime UTR variant (1), non-coding transcript variant (1).
Genome position (GRCh38, 1-based): chr6:83,188,791, T>C on the plus strand (A>G on the coding strand, the complement: PGM3 is on the minus strand). VCF-style: chr6-83188791-T-C. GRCh37 (hg19) VCF-style: chr6-83898510-T-C.
Other names: c.296A>G (NM_001199917.1); c.296A>G, p.Asn99Ser (NM_001199917.2, NM_001367287.1); c.-32A>G (NM_001199918.2); c.212A>G, p.Asn71Ser (NM_001199919.2, NM_001367286.1); short protein forms N99S, N71S.
Identifiers: ClinVar variation 1414436 (VCV001414436.4), dbSNP rs755618669, ClinGen allele CA3906854.